The following is an entry in ClinVar:

ClinVar aggregate classification (germline): Uncertain significance (1 of 4 stars; one submission).

Conditions:
Idiopathic Pulmonary Fibrosis. Also called: Idiopathic fibrosing alveolitis, chronic form; idiopathic fibrosing alveolitis. Identifiers: Orphanet 2032, MedGen C1800706, MeSH D054990, MONDO:0800504.
Dyskeratosis congenita, autosomal dominant 2. Identifiers: MedGen C3151443, MONDO:0013521, OMIM 613989.

Submission:

Labcorp Genetics (formerly Invitae), Labcorp
Classification: Uncertain significance for Dyskeratosis congenita, autosomal dominant 2; Idiopathic Pulmonary Fibrosis. Last evaluated: 2023-04-11. Review status: criteria provided, single submitter. Criteria: Invitae Variant Classification Sherloc (09022015). Collection method: clinical testing. Allele origin: germline.
Comment: In summary, the available evidence is currently insufficient to determine the role of this variant in disease. Therefore, it has been classified as a Variant of Uncertain Significance. Algorithms developed to predict the effect of sequence changes on RNA splicing suggest that this variant may disrupt the consensus splice site. This variant has not been reported in the literature in individuals affected with TERT-related conditions. This variant is not present in population databases (gnomAD no frequency). This sequence change affects codon 529 of the TERT mRNA. It is a 'silent' change, meaning that it does not change the encoded amino acid sequence of the TERT protein.

NM_198253.3(TERT):c.1587T>G (p.Val529=)

Gene: TERT (telomerase reverse transcriptase; minus strand). Cytogenetic location: 5p15.33.
Variant type: single nucleotide variant.
Coding change: c.1587T>G on transcript NM_198253.3 (MANE Select); coding-DNA position 1587, T replaced by G.
Protein change: p.Val529=; no amino-acid change (valine 529 retained).
Molecular consequence: synonymous variant. On other transcripts: non-coding transcript variant (2).
Genome position (GRCh38, 1-based): chr5:1,282,611, A>C on the plus strand (T>G on the coding strand, the complement: TERT is on the minus strand). VCF-style: chr5-1282611-A-C. GRCh37 (hg19) VCF-style: chr5-1282726-A-C.
Other names: c.1587T>G, p.Val529= (NM_001193376.3, NM_003219.1).
Identifiers: ClinVar variation 2946546 (VCV002946546.3), dbSNP rs2478307138, ClinGen allele CA443026061.